The following is an entry in ClinVar:

ClinVar aggregate classification (germline): Uncertain significance. Review status: criteria provided, multiple submitters, no conflicts (2 of 4 stars). 2 submissions from 2 submitters: Uncertain significance (2). Last evaluated 2025-10-29.

Conditions:
Inborn genetic diseases. Identifiers: MedGen C0950123, MeSH D030342.

gnomAD v4.1: 1 of 1,612,354 alleles (0.000062%); highest among the groups gnomAD compares: South Asian, 0.0011%; no homozygotes.

Submissions (2):

Ambry Genetics
Classification: Uncertain significance for Inborn genetic diseases. Last evaluated: 2025-10-29. Review status: criteria provided, single submitter. Criteria: Ambry Variant Classification Scheme 2023. Collection method: clinical testing. Allele origin: germline.

Labcorp Genetics (formerly Invitae), Labcorp
Classification: Uncertain significance. Last evaluated: 2024-11-22. Review status: criteria provided, single submitter. Criteria: Invitae Variant Classification Sherloc (09022015). Collection method: clinical testing. Allele origin: germline.
Comment: This sequence change replaces proline, which is neutral and non-polar, with serine, which is neutral and polar, at codon 583 of the C8B protein (p.Pro583Ser). This variant is not present in population databases (gnomAD no frequency). This variant has not been reported in the literature in individuals affected with C8B-related conditions. An algorithm developed to predict the effect of missense changes on protein structure and function (PolyPhen-2) suggests that this variant is likely to be disruptive. In summary, the available evidence is currently insufficient to determine the role of this variant in disease. Therefore, it has been classified as a Variant of Uncertain Significance.

NM_000066.4(C8B):c.1747C>T (p.Pro583Ser)

Gene: C8B (complement C8 beta chain; minus strand). Cytogenetic location: 1p32.2.
Variant type: single nucleotide variant.
Coding change: c.1747C>T on transcript NM_000066.4 (MANE Select); coding-DNA position 1747, C replaced by T.
Protein change: p.Pro583Ser; replaces proline 583 with serine.
Molecular consequence: missense variant.
Genome position (GRCh38, 1-based): chr1:56,929,433, G>A on the plus strand (C>T on the coding strand, the complement: C8B is on the minus strand). VCF-style: chr1-56929433-G-A. GRCh37 (hg19) VCF-style: chr1-57395106-G-A.
Other names: c.1591C>T, p.Pro531Ser (NM_001278543.2); c.1561C>T, p.Pro521Ser (NM_001278544.2); short protein forms P531S, P521S, P583S.
Identifiers: ClinVar variation 3673837 (VCV003673837.3).